The following is an entry in ClinVar:

NM_000093.5(COL5A1):c.2401C>T (p.Arg801Cys)

Gene: COL5A1 (collagen type V alpha 1 chain; plus strand). Cytogenetic location: 9q34.3.
Variant type: single nucleotide variant.
Coding change: c.2401C>T on transcript NM_000093.5 (MANE Select); coding-DNA position 2401, C replaced by T.
Protein change: p.Arg801Cys; replaces arginine 801 with cysteine.
Molecular consequence: missense variant.
Genome position (GRCh38, 1-based): chr9:134,780,117, C>T. VCF-style: chr9-134780117-C-T. GRCh37 (hg19) VCF-style: chr9-137671963-C-T.
Other names: c.2401C>T, p.Arg801Cys (NM_001278074.1); short protein forms R801C.
Identifiers: ClinVar variation 1722954 (VCV001722954.5), dbSNP rs2132760078, ClinGen allele CA375453309.

ClinVar aggregate classification (germline): Uncertain significance. Review status: criteria provided, multiple submitters, no conflicts (2 of 4 stars). 3 submissions from 3 submitters: Uncertain significance (3). Last evaluated 2024-11-25.

Conditions:
Ehlers-Danlos syndrome, classic type, 1 (EDSCL1). Also called: EHLERS-DANLOS SYNDROME, GRAVIS TYPE; EHLERS-DANLOS SYNDROME, SEVERE CLASSIC TYPE; Ehlers-Danlos syndrome, type 1; Ehlers-Danlos Syndrome, Classic Type, COL5A1-Related; EDS I. Identifiers: MedGen C0268335, MONDO:0019567, OMIM 130000.

Allele frequency attached by ClinVar (database versions not stated): gnomAD exomes below 0.00001.
gnomAD v4.1: 5 of 1,613,480 alleles (0.00031%); highest among the groups gnomAD compares: Non-Finnish European, 0.00034%; no homozygotes.

Submissions (3):

Labcorp Genetics (formerly Invitae), Labcorp
Classification: Uncertain significance for Ehlers-Danlos syndrome, classic type, 1. Last evaluated: 2024-11-25. Review status: criteria provided, single submitter. Criteria: Invitae Variant Classification Sherloc (09022015). Collection method: clinical testing. Allele origin: germline.
Comment: This sequence change replaces arginine, which is basic and polar, with cysteine, which is neutral and slightly polar, at codon 801 of the COL5A1 protein (p.Arg801Cys). This variant is not present in population databases (gnomAD no frequency). This variant has not been reported in the literature in individuals affected with COL5A1-related conditions. ClinVar contains an entry for this variant (Variation ID: 1722954). Invitae Evidence Modeling of protein sequence and biophysical properties (such as structural, functional, and spatial information, amino acid conservation, physicochemical variation, residue mobility, and thermodynamic stability) has been performed for this missense variant. However, the output from this modeling did not meet the statistical confidence thresholds required to predict the impact of this variant on COL5A1 protein function. In summary, the available evidence is currently insufficient to determine the role of this variant in disease. Therefore, it has been classified as a Variant of Uncertain Significance.

Blueprint Genetics
Classification: Uncertain significance. Last evaluated: 2024-02-15. Review status: criteria provided, single submitter. Criteria: ACMG Guidelines, 2015. Collection method: clinical testing. Allele origin: germline.

GeneDx
Classification: Uncertain significance. Last evaluated: 2023-06-06. Review status: criteria provided, single submitter. Criteria: GeneDx Variant Classification Process June 2021. Collection method: clinical testing. Allele origin: germline. Affected: yes.
Comment: Has not been previously published as pathogenic or benign to our knowledge; Not observed at significant frequency in large population cohorts (gnomAD); In silico analysis supports that this missense variant has a deleterious effect on protein structure/function; Occurs in the triple helical domain at the Y position in the canonical Gly-X-Y repeat; although this variant may have an effect on normal protein folding and function, missense substitution at the Y position is not a common mechanism of disease (Symoens et al., 2012; HGMD)